The following is an entry in ClinVar:

NM_000257.4(MYH7):c.3164T>C (p.Leu1055Pro)

Gene: MYH7 (myosin heavy chain 7; minus strand). Cytogenetic location: 14q11.2.
Variant type: single nucleotide variant.
Coding change: c.3164T>C on transcript NM_000257.4 (MANE Select); coding-DNA position 3164, T replaced by C.
Protein change: p.Leu1055Pro; replaces leucine 1055 with proline.
Molecular consequence: missense variant.
Genome position (GRCh38, 1-based): chr14:23,422,261, A>G on the plus strand (T>C on the coding strand, the complement: MYH7 is on the minus strand). VCF-style: chr14-23422261-A-G. GRCh37 (hg19) VCF-style: chr14-23891470-A-G.
Other names: c.3164T>C, p.Leu1055Pro (NM_001407004.1); short protein forms L1055P.
Identifiers: ClinVar variation 4801935 (VCV004801935.1).

ClinVar aggregate classification (germline): Uncertain significance (1 of 4 stars; one submission).

Conditions:
Hypertrophic cardiomyopathy. Also called: HYPERTROPHIC MYOCARDIOPATHY. Identifiers: Orphanet 217569, MedGen C0007194, MeSH D002312, MONDO:0005045, HP:0001639.

Submission:

Labcorp Genetics (formerly Invitae), Labcorp
Classification: Uncertain significance for Hypertrophic cardiomyopathy. Last evaluated: 2025-05-18. Review status: criteria provided, single submitter. Criteria: Invitae Variant Classification Sherloc (09022015). Collection method: clinical testing. Allele origin: germline.
Comment: This sequence change replaces leucine, which is neutral and non-polar, with proline, which is neutral and non-polar, at codon 1055 of the MYH7 protein (p.Leu1055Pro). This variant is not present in population databases (gnomAD no frequency). This variant has not been reported in the literature in individuals affected with MYH7-related conditions. Invitae Evidence Modeling of protein sequence and biophysical properties (such as structural, functional, and spatial information, amino acid conservation, physicochemical variation, residue mobility, and thermodynamic stability) indicates that this missense variant is expected to disrupt MYH7 protein function with a positive predictive value of 95%. In summary, the available evidence is currently insufficient to determine the role of this variant in disease. Therefore, it has been classified as a Variant of Uncertain Significance.